The following is an entry in ClinVar:

NM_000098.3(CPT2):c.896G>A (p.Trp299Ter)

Gene: CPT2 (carnitine palmitoyltransferase 2; plus strand). Cytogenetic location: 1p32.3.
Variant type: single nucleotide variant.
Coding change: c.896G>A on transcript NM_000098.3 (MANE Select); coding-DNA position 896, G replaced by A.
Protein change: p.Trp299Ter; replaces tryptophan 299 with a stop codon.
Molecular consequence: nonsense.
Genome position (GRCh38, 1-based): chr1:53,210,570, G>A. VCF-style: chr1-53210570-G-A. GRCh37 (hg19) VCF-style: chr1-53676242-G-A.
Other names: c.896G>A, p.Trp299Ter (NM_001330589.2); short protein forms W299*.
Identifiers: ClinVar variation 862629 (VCV000862629.7), dbSNP rs757881397, ClinGen allele CA340394068.

ClinVar aggregate classification (germline): Pathogenic (1 of 4 stars; one submission).

Conditions:
Carnitine palmitoyltransferase II deficiency. Also called: Carnitine Palmitoyltransferase 2 Deficiency. Identifiers: Orphanet 157, MedGen C0342790, MONDO:0015515.

Submission:

Labcorp Genetics (formerly Invitae), Labcorp
Classification: Pathogenic for Carnitine palmitoyltransferase II deficiency. Last evaluated: 2019-01-15. Review status: criteria provided, single submitter. Criteria: Invitae Variant Classification Sherloc (09022015). Collection method: clinical testing. Allele origin: germline.
Comment: Loss-of-function variants in CPT2 are known to be pathogenic (PMID: 16781677, 16996287). For these reasons, this variant has been classified as Pathogenic. This variant has not been reported in the literature in individuals with CPT2-related conditions. This variant is not present in population databases (ExAC no frequency). This sequence change creates a premature translational stop signal (p.Trp299*) in the CPT2 gene. It is expected to result in an absent or disrupted protein product.

Literature cited by the submitters: PubMed 16781677; PubMed 16996287.